The following is an entry in ClinVar:

NM_002775.5(HTRA1):c.1086G>T (p.Lys362Asn)

Gene: HTRA1 (HtrA serine peptidase 1; plus strand). Cytogenetic location: 10q26.13.
Variant type: single nucleotide variant.
Coding change: c.1086G>T on transcript NM_002775.5 (MANE Select); coding-DNA position 1086, G replaced by T.
Protein change: p.Lys362Asn; replaces lysine 362 with asparagine.
Molecular consequence: missense variant.
Genome position (GRCh38, 1-based): chr10:122,508,736, G>T. VCF-style: chr10-122508736-G-T. GRCh37 (hg19) VCF-style: chr10-124268252-G-T.
Other names: c.1086G>T (NM_002775.4); short protein forms K362N.
Identifiers: ClinVar variation 1403890 (VCV001403890.7), dbSNP rs759123826, ClinGen allele CA5726036.

ClinVar aggregate classification (germline): Uncertain significance. Review status: criteria provided, multiple submitters, no conflicts (2 of 4 stars). 2 submissions from 2 submitters: Uncertain significance (2). Last evaluated 2025-02-11.

Allele frequency attached by ClinVar (database versions not stated): gnomAD 0.00015 and 0.00016.
gnomAD v4.1: 70 of 1,613,566 alleles (0.0043%); highest among the groups gnomAD compares: Admixed American, 0.073%; 1 homozygote.

Submissions (2):

GeneDx
Classification: Uncertain significance. Last evaluated: 2025-02-11. Review status: criteria provided, single submitter. Criteria: GeneDx Variant Classification Process June 2021. Collection method: clinical testing. Allele origin: germline. Affected: yes.
Comment: In silico analysis supports that this missense variant has a deleterious effect on protein structure/function; Has not been previously published as pathogenic or benign to our knowledge

Labcorp Genetics (formerly Invitae), Labcorp
Classification: Uncertain significance. Last evaluated: 2024-11-11. Review status: criteria provided, single submitter. Criteria: Invitae Variant Classification Sherloc (09022015). Collection method: clinical testing. Allele origin: germline.
Comment: This sequence change replaces lysine, which is basic and polar, with asparagine, which is neutral and polar, at codon 362 of the HTRA1 protein (p.Lys362Asn). This variant is present in population databases (rs759123826, gnomAD 0.05%). This variant has not been reported in the literature in individuals affected with HTRA1-related conditions. ClinVar contains an entry for this variant (Variation ID: 1403890). Invitae Evidence Modeling of protein sequence and biophysical properties (such as structural, functional, and spatial information, amino acid conservation, physicochemical variation, residue mobility, and thermodynamic stability) indicates that this missense variant is not expected to disrupt HTRA1 protein function with a negative predictive value of 95%. In summary, the available evidence is currently insufficient to determine the role of this variant in disease. Therefore, it has been classified as a Variant of Uncertain Significance.